The following is an entry in ClinVar:

ClinVar aggregate classification (germline): Uncertain significance (1 of 4 stars; one submission).

gnomAD v4.1: 12 of 1,590,156 alleles (0.00075%); highest among the groups gnomAD compares: African/African-American, 0.0054%; no homozygotes.

Submission:

Women's Health and Genetics/Laboratory Corporation of America, LabCorp
Classification: Uncertain significance. Last evaluated: 2026-06-26. Review status: criteria provided, single submitter. Criteria: LabCorp Variant Classification Summary - May 2015. Collection method: clinical testing. Allele origin: germline.
Comment: Variant summary: HSPG2 c.11635C>T (p.Arg3879Cys) results in a non-conservative amino acid change in the encoded protein sequence. Algorithms developed to predict the effect of missense changes on protein structure and function all suggest that this variant is likely to be disruptive. The variant allele was found at a frequency of 9.5e-06 in 209754 control chromosomes. The available data on variant occurrences in the general population are insufficient to allow any conclusion about variant significance. To our knowledge, no occurrence of c.11635C>T in individuals affected with HSPG2-related conditions and no experimental evidence demonstrating its impact on protein function have been reported. No submitters have cited clinical-significance assessments for this variant to ClinVar. Based on the evidence outlined above, the variant was classified as uncertain significance.

NM_005529.7(HSPG2):c.11635C>T (p.Arg3879Cys)

Gene: HSPG2 (heparan sulfate proteoglycan 2; minus strand). Cytogenetic location: 1p36.12.
Variant type: single nucleotide variant.
Coding change: c.11635C>T on transcript NM_005529.7 (MANE Select); coding-DNA position 11635, C replaced by T.
Protein change: p.Arg3879Cys; replaces arginine 3879 with cysteine.
Molecular consequence: missense variant.
Genome position (GRCh38, 1-based): chr1:21,831,018, G>A on the plus strand (C>T on the coding strand, the complement: HSPG2 is on the minus strand). VCF-style: chr1-21831018-G-A. GRCh37 (hg19) VCF-style: chr1-22157511-G-A.
Other names: c.11638C>T, p.Arg3880Cys (NM_001291860.2); short protein forms R3879C, R3880C.
Identifiers: ClinVar variation 4887649 (VCV004887649.1).
Genomic context (GRCh38, chr1:21,831,018, plus strand): 5'-GCGACTGGCGGTCGGGGTGCGTACCTGGATGGCAGTGCAGGGCCTGCGAGTGCTCACAGC[G>A]GCTCCCGGTGAAGCCAGCTGGGCAGACGCACACGTAGCTGCTGCTCTCAGAGTCATGGCA-3'
Protein context (NP_005520.4, residues 3869-3889): CVCPAGFTGS[Arg3879Cys]CEHSQALHCH